The following is an entry in ClinVar:

ClinVar aggregate classification (germline): Likely pathogenic (0 of 4 stars; one submission).

Conditions:
MKS1-related disorder. Also called: MKS1-related disorders; MKS1-related condition. Identifiers: MedGen CN239382.

Submission:

PreventionGenetics, part of Exact Sciences
Classification: Likely pathogenic for MKS1-related condition. Last evaluated: 2024-05-20. Review status: no assertion criteria provided. Collection method: clinical testing. Allele origin: germline.
Comment: The MKS1 c.191delG variant is predicted to result in a frameshift and premature protein termination (p.Ser64Metfs*14). To our knowledge, this variant has not been reported in the literature or in a large population database, indicating this variant is rare. This variant is predicted to alter a canonical splice site via a splicing prediction algorithm (SpliceAI, Jaganathan K, et al. 2019. PubMed ID: 30661751). Additionally, frameshift variants in MKS1 are expected to be pathogenic. This variant is interpreted as likely pathogenic.

NM_017777.3(MKS1):c.191delG

Gene: MKS1 (MKS transition zone complex subunit 1; minus strand). Cytogenetic location: 17q22.
Variant type: Deletion.
Coding change: c.191delG on transcript NM_017777.3; coding-DNA position 191, one base deleted (G).
Genome position (GRCh38, 1-based): chr17:58,216,736, C deleted on the plus strand (G on the coding strand, the reverse complement: MKS1 is on the minus strand); the first of 2 consecutive C bases (chr17:58,216,736-58,216,737); deleting either gives the same sequence. VCF-style (leftmost placement, unchanged base first): chr17-58216735-AC-A. GRCh37 (hg19) VCF-style: chr17-56294096-AC-A.
Identifiers: ClinVar variation 3347650 (VCV003347650.1).